The following is an entry in ClinVar:

ClinVar aggregate classification (germline): Uncertain significance. Review status: criteria provided, multiple submitters, no conflicts (2 of 4 stars). 3 submissions from 3 submitters: Uncertain significance (3). Last evaluated 2024-12-03.

Conditions:
Inborn genetic diseases. Identifiers: MedGen C0950123, MeSH D030342.
Hereditary spastic paraplegia 7 (SPG7). Also called: Spastic paraplegia 7; Hereditary spastic paraplegia Paraplegin type; Autosomal recessive spastic paraplegia type 7; SPG7-related neurologic disorder; SPASTIC PARAPLEGIA 7, AUTOSOMAL RECESSIVE, WITH OR WITHOUT CEREBELLAR ATAXIA. Identifiers: Orphanet 99013, MedGen C1846564, MONDO:0011803, OMIM 607259.

Allele frequency attached by ClinVar (database versions not stated): TOPMed 0.00002; gnomAD 0.00004; gnomAD exomes 0.00006 and 0.00013; ExAC 0.00007.
gnomAD v4.1: 191 of 1,603,940 alleles (0.012%); highest among the groups gnomAD compares: Non-Finnish European, 0.014%; no homozygotes.

Submissions (3):

Ambry Genetics
Classification: Uncertain significance for Inborn genetic diseases. Last evaluated: 2024-12-03. Review status: criteria provided, single submitter. Criteria: Ambry Variant Classification Scheme 2023. Collection method: clinical testing. Allele origin: germline.

Blueprint Genetics
Classification: Uncertain significance. Last evaluated: 2024-10-24. Review status: criteria provided, single submitter. Criteria: ACMG Guidelines, 2015. Collection method: clinical testing. Allele origin: germline.

Labcorp Genetics (formerly Invitae), Labcorp
Classification: Uncertain significance for Hereditary spastic paraplegia 7. Last evaluated: 2022-08-13. Review status: criteria provided, single submitter. Criteria: Invitae Variant Classification Sherloc (09022015). Collection method: clinical testing. Allele origin: germline.
Comment: This sequence change replaces valine, which is neutral and non-polar, with isoleucine, which is neutral and non-polar, at codon 552 of the SPG7 protein (p.Val552Ile). This variant is present in population databases (rs750306995, gnomAD 0.01%). This variant has not been reported in the literature in individuals affected with SPG7-related conditions. ClinVar contains an entry for this variant (Variation ID: 533733). Advanced modeling of protein sequence and biophysical properties (such as structural, functional, and spatial information, amino acid conservation, physicochemical variation, residue mobility, and thermodynamic stability) performed at Invitae indicates that this missense variant is not expected to disrupt SPG7 protein function. In summary, the available evidence is currently insufficient to determine the role of this variant in disease. Therefore, it has been classified as a Variant of Uncertain Significance.

NM_003119.4(SPG7):c.1654G>A (p.Val552Ile)

Gene: SPG7 (SPG7 matrix AAA peptidase subunit, paraplegin; plus strand). Cytogenetic location: 16q24.3.
Variant type: single nucleotide variant.
Coding change: c.1654G>A on transcript NM_003119.4 (MANE Select); coding-DNA position 1654, G replaced by A.
Protein change: p.Val552Ile; replaces valine 552 with isoleucine.
Molecular consequence: missense variant.
Genome position (GRCh38, 1-based): chr16:89,548,104, G>A. VCF-style: chr16-89548104-G-A. GRCh37 (hg19) VCF-style: chr16-89614512-G-A.
Other names: c.1654G>A, p.Val552Ile (NM_001363850.1); c.1654G>A (NM_003119.2); short protein forms V552I.
Identifiers: ClinVar variation 533733 (VCV000533733.9), dbSNP rs750306995, ClinGen allele CA8244298.
Genomic context (GRCh38, chr16:89,548,104, plus strand): 5'-GCGGCGCGGGAGGGACACACTTCCGTGCACACTCTCAACTTCGAGTACGCCGTGGAGCGC[G>A]TCCTCGCAGGTACAGGGGGCGCGCCCTGGGTGAAGGCCCTCCTTAGCAGGGCTTGAACCC-3'
Protein context (NP_003110.1, residues 542-562): TLNFEYAVER[Val552Ile]LAGTAKKSKI